The following is an entry in ClinVar:

ClinVar aggregate classification (germline): Likely pathogenic (1 of 4 stars; one submission).

Submission:

GeneDx
Classification: Likely pathogenic. Last evaluated: 2023-04-12. Review status: criteria provided, single submitter. Criteria: GeneDx Variant Classification Process June 2021. Collection method: clinical testing. Allele origin: germline. Affected: yes.
Comment: Not observed at significant frequency in large population cohorts (gnomAD); In silico analysis supports that this missense variant has a deleterious effect on protein structure/function; Has not been previously published as pathogenic or benign to our knowledge

NM_000489.6(ATRX):c.5342T>C (p.Ile1781Thr)

Gene: ATRX (ATRX chromatin remodeler; minus strand). Cytogenetic location: Xq21.1.
Variant type: single nucleotide variant.
Coding change: c.5342T>C on transcript NM_000489.6 (MANE Select); coding-DNA position 5342, T replaced by C.
Protein change: p.Ile1781Thr; replaces isoleucine 1781 with threonine.
Molecular consequence: missense variant.
Genome position (GRCh38, 1-based): chrX:77,618,912, A>G on the plus strand (T>C on the coding strand, the complement: ATRX is on the minus strand). VCF-style: chrX-77618912-A-G. GRCh37 (hg19) VCF-style: chrX-76874380-A-G.
Other names: c.5228T>C, p.Ile1743Thr (NM_138270.5); short protein forms I1743T, I1781T.
Identifiers: ClinVar variation 1320469 (VCV001320469.3), dbSNP rs2148259855, ClinGen allele CA413700891.